The following is an entry in ClinVar:

NM_205834.4(LSR):c.1018C>T (p.Arg340Cys)

Gene: LSR (lipolysis stimulated lipoprotein receptor; plus strand). Cytogenetic location: 19q13.12.
Variant type: single nucleotide variant.
Coding change: c.1018C>T on transcript NM_205834.4 (MANE Select); coding-DNA position 1018, C replaced by T.
Protein change: p.Arg340Cys; replaces arginine 340 with cysteine.
Molecular consequence: missense variant.
Genome position (GRCh38, 1-based): chr19:35,266,841, C>T. VCF-style: chr19-35266841-C-T. GRCh37 (hg19) VCF-style: chr19-35757744-C-T.
Other names: c.958C>T, p.Arg320Cys (NM_001260489.2); c.694C>T, p.Arg232Cys (NM_001260490.2); c.811C>T, p.Arg271Cys (NM_001385215.1); c.961C>T, p.Arg321Cys (NM_015925.7); c.814C>T, p.Arg272Cys (NM_205835.4); c.1162C>T (NM_205834.2); short protein forms R272C, R340C, R271C, R321C, R232C, R320C.
Identifiers: ClinVar variation 2072590 (VCV002072590.5), dbSNP rs956284991, ClinGen allele CA307721412.
Genomic context (GRCh38, chr19:35,266,841, plus strand): 5'-GAGGGGTGGGCCAGGATCCATCCTCCCAAACCGACCACCACCCCCCTGTCCCTAGAAGTC[C>T]GCAGTGGCTACAGGATTCAGGCCAGCCAGCAGGACGACTCCATGCGGGTCCTGTACTACA-3'
Protein context (NP_991403.2, residues 330-350): DTDSSVASEV[Arg340Cys]SGYRIQASQQ

ClinVar aggregate classification (germline): Uncertain significance. Review status: criteria provided, multiple submitters, no conflicts (2 of 4 stars). 2 submissions from 2 submitters: Uncertain significance (2). Last evaluated 2025-05-19.

Allele frequency attached by ClinVar (database versions not stated): TOPMed 0.00004; gnomAD 0.00001.
gnomAD v4.1: 12 of 1,607,888 alleles (0.00075%); highest among the groups gnomAD compares: Admixed American, 0.0068%; no homozygotes.

Submissions (2):

Ambry Genetics
Classification: Uncertain significance. Last evaluated: 2025-05-19. Review status: criteria provided, single submitter. Criteria: Ambry Variant Classification Scheme 2023. Collection method: clinical testing. Allele origin: germline.

Labcorp Genetics (formerly Invitae), Labcorp
Classification: Uncertain significance. Last evaluated: 2024-08-21. Review status: criteria provided, single submitter. Criteria: Invitae Variant Classification Sherloc (09022015). Collection method: clinical testing. Allele origin: germline.
Comment: This sequence change replaces arginine, which is basic and polar, with cysteine, which is neutral and slightly polar, at codon 388 of the LSR protein (p.Arg388Cys). This variant is present in population databases (no rsID available, gnomAD 0.006%). This variant has not been reported in the literature in individuals affected with LSR-related conditions. ClinVar contains an entry for this variant (Variation ID: 2072590). An algorithm developed to predict the effect of missense changes on protein structure and function (PolyPhen-2) suggests that this variant is likely to be disruptive. In summary, the available evidence is currently insufficient to determine the role of this variant in disease. Therefore, it has been classified as a Variant of Uncertain Significance.